The following is an entry in ClinVar:

NM_004168.4(SDHA):c.1640A>G (p.Lys547Arg)

Gene: SDHA (succinate dehydrogenase complex flavoprotein subunit A; plus strand). Cytogenetic location: 5p15.33.
Variant type: single nucleotide variant.
Coding change: c.1640A>G on transcript NM_004168.4 (MANE Select); coding-DNA position 1640, A replaced by G.
Protein change: p.Lys547Arg; replaces lysine 547 with arginine.
Molecular consequence: missense variant. On other transcripts: intron variant (1).
Genome position (GRCh38, 1-based): chr5:251,080, A>G. VCF-style: chr5-251080-A-G. GRCh37 (hg19) VCF-style: chr5-251195-A-G.
Other names: c.1496A>G, p.Lys499Arg (NM_001294332.2); c.1552-3313A>G (NM_001330758.2); c.1640A>G (NM_004168.2); short protein forms K547R, K499R.
Identifiers: ClinVar variation 572160 (VCV000572160.14), dbSNP rs1561010407, ClinGen allele CA358998803.

ClinVar aggregate classification (germline): Uncertain significance. Review status: criteria provided, multiple submitters, no conflicts (2 of 4 stars). 3 submissions from 3 submitters: Uncertain significance (3). Last evaluated 2025-04-28.

Conditions:
Hereditary cancer-predisposing syndrome. Also called: Neoplastic Syndromes, Hereditary; Tumor predisposition; Hereditary neoplastic syndrome; Hereditary Cancer Syndrome. Identifiers: Orphanet 140162, MedGen C0027672, MeSH D009386, MONDO:0015356.
Dilated cardiomyopathy 1GG (CMD1GG). Identifiers: Orphanet 154, MedGen C3150898, MONDO:0013339, OMIM 613642.
Mitochondrial complex II deficiency, nuclear type 1. Also called: SUCCINATE CoQ REDUCTASE DEFICIENCY. Identifiers: Orphanet 3208, MedGen C5700310, MONDO:0100294, OMIM 252011.
Pheochromocytoma/paraganglioma syndrome 5. Also called: Paragangliomas 5; SDHA-Related Hereditary Paraganglioma-Pheochromocytoma Syndrome. Identifiers: Orphanet 29072, MedGen C3279992, MONDO:0013602, OMIM 614165.

Allele frequency attached by ClinVar (database versions not stated): TOPMed 0.00001.

Submissions (3):

Labcorp Genetics (formerly Invitae), Labcorp
Classification: Uncertain significance for Pheochromocytoma/paraganglioma syndrome 5; Mitochondrial complex II deficiency, nuclear type 1. Last evaluated: 2025-04-28. Review status: criteria provided, single submitter. Criteria: Invitae Variant Classification Sherloc (09022015). Collection method: clinical testing. Allele origin: germline.
Comment: This sequence change replaces lysine, which is basic and polar, with arginine, which is basic and polar, at codon 547 of the SDHA protein (p.Lys547Arg). This variant is not present in population databases (gnomAD no frequency). This variant has not been reported in the literature in individuals affected with SDHA-related conditions. ClinVar contains an entry for this variant (Variation ID: 572160). Invitae Evidence Modeling of protein sequence and biophysical properties (such as structural, functional, and spatial information, amino acid conservation, physicochemical variation, residue mobility, and thermodynamic stability) indicates that this missense variant is not expected to disrupt SDHA protein function with a negative predictive value of 95%. In summary, the available evidence is currently insufficient to determine the role of this variant in disease. Therefore, it has been classified as a Variant of Uncertain Significance.

Ambry Genetics
Classification: Uncertain significance for Hereditary cancer-predisposing syndrome. Last evaluated: 2023-08-17. Review status: criteria provided, single submitter. Criteria: Ambry Variant Classification Scheme 2023. Collection method: clinical testing. Allele origin: germline.
Comment: The p.K547R variant (also known as c.1640A>G), located in coding exon 12 of the SDHA gene, results from an A to G substitution at nucleotide position 1640. The lysine at codon 547 is replaced by arginine, an amino acid with highly similar properties. Functional studies indicate that this mutation impairs succinate dehydrogenase activity and interferes with SDHAF2 binding (Ma Y et al. Free Radic Biol Med, 2019 Apr;134:458-467). This amino acid position is poorly conserved in available vertebrate species. In addition, this alteration is predicted to be tolerated by in silico analysis. Since supporting evidence is limited at this time, the clinical significance of this alteration remains unclear.

Baylor Genetics
Classification: Uncertain significance for Dilated cardiomyopathy 1GG. Last evaluated: 2023-05-26. Review status: criteria provided, single submitter. Criteria: ACMG Guidelines, 2015. Collection method: clinical testing. Allele origin: unknown.

Literature cited by the submitters: PubMed 30703481 (cited by Ambry Genetics).